The following is an entry in ClinVar:

NM_006030.4(CACNA2D2):c.458A>G (p.Asn153Ser)

Gene: CACNA2D2 (calcium voltage-gated channel auxiliary subunit alpha2delta 2; minus strand). Cytogenetic location: 3p21.31.
Variant type: single nucleotide variant.
Coding change: c.458A>G on transcript NM_006030.4 (MANE Select); coding-DNA position 458, A replaced by G.
Protein change: p.Asn153Ser; replaces asparagine 153 with serine.
Molecular consequence: missense variant.
Genome position (GRCh38, 1-based): chr3:50,394,116, T>C on the plus strand (A>G on the coding strand, the complement: CACNA2D2 is on the minus strand). VCF-style: chr3-50394116-T-C. GRCh37 (hg19) VCF-style: chr3-50431547-T-C.
Other names: c.458A>G, p.Asn153Ser (NM_001005505.3, NM_001174051.3); c.251A>G, p.Asn84Ser (NM_001291101.1); short protein forms N153S, N84S.
Identifiers: ClinVar variation 530482 (VCV000530482.4), dbSNP rs1033519116, ClinGen allele CA74626591.
Genomic context (GRCh38, chr3:50,394,116, plus strand): 5'-CCACGCATGGATGGGCATGCCCTAAGTGCTGGGCAGGGTGCTGGGGTTCCTACCTTGATG[T>C]TGTCCTGCCAGCGGTGTGCTTTCTGGAAGTTCTCTGCAGCATCAGCCAGTCTCTGAGGGA-3'
Protein context (NP_006021.2, residues 143-163): NFQKAHRWQD[Asn153Ser]IKEEDIVYYD

ClinVar aggregate classification (germline): Uncertain significance (1 of 4 stars; one submission).

Conditions:
Developmental and epileptic encephalopathy. Identifiers: MedGen C5779964, MONDO:0100620.

Allele frequency attached by ClinVar (database versions not stated): gnomAD exomes below 0.00001; gnomAD 0.00001; TOPMed 0.00001.
gnomAD v4.1: 3 of 1,613,962 alleles (0.00019%); highest among the groups gnomAD compares: East Asian, 0.0022%; no homozygotes.

Submission:

Labcorp Genetics (formerly Invitae), Labcorp
Classification: Uncertain significance for Early-infantile DEE. Last evaluated: 2021-08-30. Review status: criteria provided, single submitter. Criteria: Invitae Variant Classification Sherloc (09022015). Collection method: clinical testing. Allele origin: germline.
Comment: This sequence change replaces asparagine with serine at codon 153 of the CACNA2D2 protein (p.Asn153Ser). The asparagine residue is moderately conserved and there is a small physicochemical difference between asparagine and serine. This variant is not present in population databases (ExAC no frequency). This variant has not been reported in the literature in individuals affected with CACNA2D2-related conditions. Algorithms developed to predict the effect of missense changes on protein structure and function output the following: SIFT: "Deleterious"; PolyPhen-2: "Benign"; Align-GVGD: "Class C0". The serine amino acid residue is found in multiple mammalian species, which suggests that this missense change does not adversely affect protein function. In summary, the available evidence is currently insufficient to determine the role of this variant in disease. Therefore, it has been classified as a Variant of Uncertain Significance.